The following is an entry in ClinVar:

ClinVar aggregate classification (germline): Uncertain significance (1 of 4 stars; one submission).

Allele frequency attached by ClinVar (database versions not stated): gnomAD exomes 0.00002 and 0.00004; ExAC 0.00004; gnomAD 0.00005; TOPMed 0.00005.
gnomAD v4.1: 41 of 1,604,298 alleles (0.0026%); highest among the groups gnomAD compares: Non-Finnish European, 0.0033%; no homozygotes.

Submission:

Labcorp Genetics (formerly Invitae), Labcorp
Classification: Uncertain significance. Last evaluated: 2021-03-26. Review status: criteria provided, single submitter. Criteria: Invitae Variant Classification Sherloc (09022015). Collection method: clinical testing. Allele origin: germline.
Comment: In summary, the available evidence is currently insufficient to determine the role of this variant in disease. Therefore, it has been classified as a Variant of Uncertain Significance. Algorithms developed to predict the effect of missense changes on protein structure and function (SIFT, PolyPhen-2, Align-GVGD) all suggest that this variant is likely to be tolerated, but these predictions have not been confirmed by published functional studies and their clinical significance is uncertain. This variant has not been reported in the literature in individuals with ERBB2-related conditions. This variant is present in population databases (rs763193414, ExAC 0.009%). This sequence change replaces glutamic acid with lysine at codon 40 of the ERBB2 protein (p.Glu40Lys). The glutamic acid residue is moderately conserved and there is a small physicochemical difference between glutamic acid and lysine.

NM_004448.4(ERBB2):c.118G>A (p.Glu40Lys)

Gene: ERBB2 (erb-b2 receptor tyrosine kinase 2; plus strand). Cytogenetic location: 17q12.
Variant type: single nucleotide variant.
Coding change: c.118G>A on transcript NM_004448.4 (MANE Select); coding-DNA position 118, G replaced by A.
Protein change: p.Glu40Lys; replaces glutamic acid 40 with lysine.
Molecular consequence: missense variant. On other transcripts: non-coding transcript variant (1), intron variant (1).
Genome position (GRCh38, 1-based): chr17:39,707,034, G>A. VCF-style: chr17-39707034-G-A. GRCh37 (hg19) VCF-style: chr17-37863287-G-A.
Other names: c.28G>A, p.Glu10Lys (NM_001005862.3, NM_001289938.2, NM_001382782.1 and 1 more transcripts); c.73G>A, p.Glu25Lys (NM_001289936.2); c.118G>A, p.Glu40Lys (NM_001289937.2, NM_001382784.1, NM_001382785.1 and 20 more transcripts); c.74-4894G>A (NM_001382804.1); short protein forms E40K, E10K, E25K.
Identifiers: ClinVar variation 1393118 (VCV001393118.8), dbSNP rs763193414, ClinGen allele CA8533541.